The following is an entry in ClinVar:

ClinVar aggregate classification (germline): Uncertain significance (1 of 4 stars; one submission).

Allele frequency attached by ClinVar (database versions not stated): 1000 Genomes Project 30x 0.00016; ExAC 0.00014; gnomAD exomes 0.00003.
gnomAD v4.1: 21 of 1,436,426 alleles (0.0015%); highest among the groups gnomAD compares: South Asian, 0.025%; no homozygotes.

Submission:

Labcorp Genetics (formerly Invitae), Labcorp
Classification: Uncertain significance. Last evaluated: 2019-10-16. Review status: criteria provided, single submitter. Criteria: Invitae Variant Classification Sherloc (09022015). Collection method: clinical testing. Allele origin: germline.
Comment: In summary, the available evidence is currently insufficient to determine the role of this variant in disease. Therefore, it has been classified as a Variant of Uncertain Significance. Algorithms developed to predict the effect of missense changes on protein structure and function are either unavailable or do not agree on the potential impact of this missense change (SIFT: "Deleterious"; PolyPhen-2: "Not Available"; Align-GVGD: "Class C0"). This variant has not been reported in the literature in individuals with RETREG1-related conditions. While this variant is present in population databases (rs779538816), the frequency information is unreliable, as metrics indicate poor data quality at this position in the ExAC database. This sequence change replaces proline with alanine at codon 6 of the RETREG1 protein (p.Pro6Ala). The proline residue is weakly conserved and there is a small physicochemical difference between proline and alanine.

NM_001034850.3(RETREG1):c.16C>G (p.Pro6Ala)

Genes: RETREG1 (reticulophagy regulator 1; minus strand), RETREG1-AS1 (RETREG1 antisense RNA 1; plus strand), LOC129993734 (ATAC-STARR-seq lymphoblastoid silent region 15947; plus strand). Cytogenetic location: 5p15.1.
Variant type: single nucleotide variant.
Coding change: c.16C>G on transcript NM_001034850.3 (MANE Select); coding-DNA position 16, C replaced by G.
Protein change: p.Pro6Ala; replaces proline 6 with alanine.
Molecular consequence: missense variant.
Genome position (GRCh38, 1-based): chr5:16,616,956, G>C on the plus strand (C>G on the coding strand, the complement: RETREG1 is on the minus strand). VCF-style: chr5-16616956-G-C. GRCh37 (hg19) VCF-style: chr5-16617065-G-C.
Other names: short protein forms P6A.
Identifiers: ClinVar variation 958937 (VCV000958937.8), dbSNP rs779538816, ClinGen allele CA3210552.